The following is an entry in ClinVar:

ClinVar aggregate classification (germline): Uncertain significance. Review status: criteria provided, multiple submitters, no conflicts (2 of 4 stars). 2 submissions from 2 submitters: Uncertain significance (2). Last evaluated 2023-09-29.

Submissions (2):

Labcorp Genetics (formerly Invitae), Labcorp
Classification: Uncertain significance. Last evaluated: 2023-09-29. Review status: criteria provided, single submitter. Criteria: Invitae Variant Classification Sherloc (09022015). Collection method: clinical testing. Allele origin: germline.
Comment: This variant is not present in population databases (gnomAD no frequency). This sequence change replaces threonine, which is neutral and polar, with isoleucine, which is neutral and non-polar, at codon 703 of the CLCN4 protein (p.Thr703Ile). In summary, the available evidence is currently insufficient to determine the role of this variant in disease. Therefore, it has been classified as a Variant of Uncertain Significance. Advanced modeling of protein sequence and biophysical properties (such as structural, functional, and spatial information, amino acid conservation, physicochemical variation, residue mobility, and thermodynamic stability) has been performed at Invitae for this missense variant, however the output from this modeling did not meet the statistical confidence thresholds required to predict the impact of this variant on CLCN4 protein function. ClinVar contains an entry for this variant (Variation ID: 1306075). This variant has not been reported in the literature in individuals affected with CLCN4-related conditions.

GeneDx
Classification: Uncertain significance. Last evaluated: 2023-08-23. Review status: criteria provided, single submitter. Criteria: GeneDx Variant Classification Process June 2021. Collection method: clinical testing. Allele origin: germline. Affected: yes.
Comment: Not observed at significant frequency in large population cohorts (gnomAD); In silico analysis supports that this missense variant has a deleterious effect on protein structure/function; Has not been previously published as pathogenic or benign to our knowledge

NM_001830.4(CLCN4):c.2108C>T (p.Thr703Ile)

Gene: CLCN4 (chloride voltage-gated channel 4; plus strand). Cytogenetic location: Xp22.2.
Variant type: single nucleotide variant.
Coding change: c.2108C>T on transcript NM_001830.4 (MANE Select); coding-DNA position 2108, C replaced by T.
Protein change: p.Thr703Ile; replaces threonine 703 with isoleucine.
Molecular consequence: missense variant.
Genome position (GRCh38, 1-based): chrX:10,220,793, C>T. VCF-style: chrX-10220793-C-T. GRCh37 (hg19) VCF-style: chrX-10188833-C-T.
Other names: c.1826C>T, p.Thr609Ile (NM_001256944.2); short protein forms T609I, T703I.
Identifiers: ClinVar variation 1306075 (VCV001306075.11), dbSNP rs2147187687, ClinGen allele CA412044647.